The following is an entry in ClinVar:

NM_001330691.3(CEP78):c.697A>G (p.Thr233Ala)

Gene: CEP78 (centrosomal protein 78; plus strand). Cytogenetic location: 9q21.2.
Variant type: single nucleotide variant.
Coding change: c.697A>G on transcript NM_001330691.3 (MANE Select); coding-DNA position 697, A replaced by G.
Protein change: p.Thr233Ala; replaces threonine 233 with alanine.
Molecular consequence: missense variant.
Genome position (GRCh38, 1-based): chr9:78,243,555, A>G. VCF-style: chr9-78243555-A-G. GRCh37 (hg19) VCF-style: chr9-80858471-A-G.
Other names: c.697A>G, p.Thr233Ala (NM_001098802.3, NM_001330693.3, NM_001330694.2 and 4 more transcripts); short protein forms T233A.
Identifiers: ClinVar variation 2130375 (VCV002130375.4), dbSNP rs1826332817, ClinGen allele CA374000580.

ClinVar aggregate classification (germline): Uncertain significance (1 of 4 stars; one submission).

Submission:

Labcorp Genetics (formerly Invitae), Labcorp
Classification: Uncertain significance. Last evaluated: 2022-06-12. Review status: criteria provided, single submitter. Criteria: Invitae Variant Classification Sherloc (09022015). Collection method: clinical testing. Allele origin: germline.
Comment: Algorithms developed to predict the effect of missense changes on protein structure and function are either unavailable or do not agree on the potential impact of this missense change (SIFT: "Tolerated"; PolyPhen-2: "Probably Damaging"; Align-GVGD: "Class C0"). This variant has not been reported in the literature in individuals affected with CEP78-related conditions. This variant is not present in population databases (gnomAD no frequency). This sequence change replaces threonine, which is neutral and polar, with alanine, which is neutral and non-polar, at codon 233 of the CEP78 protein (p.Thr233Ala). In summary, the available evidence is currently insufficient to determine the role of this variant in disease. Therefore, it has been classified as a Variant of Uncertain Significance.